The following is an entry in ClinVar:

NM_015450.3(POT1):c.61A>G (p.Thr21Ala)

Gene: POT1 (protection of telomeres 1; minus strand). Cytogenetic location: 7q31.33.
Variant type: single nucleotide variant.
Coding change: c.61A>G on transcript NM_015450.3 (MANE Select); coding-DNA position 61, A replaced by G.
Protein change: p.Thr21Ala; replaces threonine 21 with alanine.
Molecular consequence: missense variant. On other transcripts: 5 prime UTR variant (1), non-coding transcript variant (3).
Genome position (GRCh38, 1-based): chr7:124,892,329, T>C on the plus strand (A>G on the coding strand, the complement: POT1 is on the minus strand). VCF-style: chr7-124892329-T-C. GRCh37 (hg19) VCF-style: chr7-124532383-T-C.
Other names: c.-202A>G (NM_001042594.2); c.61A>G (NM_015450.2); short protein forms T21A.
Identifiers: ClinVar variation 2143529 (VCV002143529.5), dbSNP rs2485562748, ClinGen allele CA369066151.

ClinVar aggregate classification (germline): Uncertain significance. Review status: criteria provided, multiple submitters, no conflicts (2 of 4 stars). 2 submissions from 2 submitters: Uncertain significance (2). Last evaluated 2025-10-02.

Conditions:
Tumor predisposition syndrome 3 (TPDS3). Also called: Melanoma, cutaneous malignant, susceptibility to, 10; Glioma susceptibility 9; LONG TELOMERE SYNDROME, POT1-RELATED; POT1 Tumor Predisposition. Identifiers: Orphanet 618, MedGen C4014476, MONDO:0014368, OMIM 615848.
Hereditary cancer-predisposing syndrome. Also called: Neoplastic Syndromes, Hereditary; Hereditary Cancer Syndrome; Hereditary neoplastic syndrome; Tumor predisposition. Identifiers: Orphanet 140162, MedGen C0027672, MeSH D009386, MONDO:0015356.

Submissions (2):

Labcorp Genetics (formerly Invitae), Labcorp
Classification: Uncertain significance for Tumor predisposition syndrome 3. Last evaluated: 2025-10-02. Review status: criteria provided, single submitter. Criteria: Invitae Variant Classification Sherloc (09022015). Collection method: clinical testing. Allele origin: germline.
Comment: This sequence change replaces threonine, which is neutral and polar, with alanine, which is neutral and non-polar, at codon 21 of the POT1 protein (p.Thr21Ala). This variant is not present in population databases (gnomAD no frequency). This variant has not been reported in the literature in individuals affected with POT1-related conditions. ClinVar contains an entry for this variant (Variation ID: 2143529). Invitae Evidence Modeling of protein sequence and biophysical properties (such as structural, functional, and spatial information, amino acid conservation, physicochemical variation, residue mobility, and thermodynamic stability) indicates that this missense variant is not expected to disrupt POT1 protein function with a negative predictive value of 80%. In summary, the available evidence is currently insufficient to determine the role of this variant in disease. Therefore, it has been classified as a Variant of Uncertain Significance.

Ambry Genetics
Classification: Uncertain significance for Hereditary cancer-predisposing syndrome. Last evaluated: 2023-11-22. Review status: criteria provided, single submitter. Criteria: Ambry Variant Classification Scheme 2023. Collection method: clinical testing. Allele origin: germline.
Comment: The p.T21A variant (also known as c.61A>G), located in coding exon 2 of the POT1 gene, results from an A to G substitution at nucleotide position 61. The threonine at codon 21 is replaced by alanine, an amino acid with similar properties. This amino acid position is conserved. In addition, this alteration is predicted to be tolerated by in silico analysis. Since supporting evidence is limited at this time, the clinical significance of this alteration remains unclear.